The following is an entry in ClinVar:

NM_000260.4(MYO7A):c.1403A>G (p.His468Arg)

Gene: MYO7A (myosin VIIA; plus strand). Cytogenetic location: 11q13.5.
Variant type: single nucleotide variant.
Coding change: c.1403A>G on transcript NM_000260.4 (MANE Select); coding-DNA position 1403, A replaced by G.
Protein change: p.His468Arg; replaces histidine 468 with arginine.
Molecular consequence: missense variant.
Genome position (GRCh38, 1-based): chr11:77,162,179, A>G. VCF-style: chr11-77162179-A-G. GRCh37 (hg19) VCF-style: chr11-76873225-A-G.
Other names: c.1403A>G, p.His468Arg (NM_001127180.2); c.1370A>G, p.His457Arg (NM_001369365.1); short protein forms H468R, H457R.
Identifiers: ClinVar variation 553342 (VCV000553342.21), dbSNP rs200304238, ClinGen allele CA6197491.

ClinVar aggregate classification (germline): Uncertain significance. Review status: criteria provided, multiple submitters, no conflicts (2 of 4 stars). 9 submissions from 9 submitters: Uncertain significance (6). 3 of the submissions do not count toward it. Last evaluated 2026-09-15.

Conditions:
Autosomal dominant nonsyndromic hearing loss 11. Identifiers: Orphanet 90635, MedGen C1832475, MONDO:0011032, OMIM 601317.
Usher syndrome type 1 (USH1). Also called: RETINITIS PIGMENTOSA AND CONGENITAL DEAFNESS. Identifiers: Orphanet 231169, Orphanet 886, MedGen C1568247, MONDO:0010168, OMIM 276900.
Autosomal recessive nonsyndromic hearing loss 2. Also called: DEAFNESS, AUTOSOMAL RECESSIVE 2; NEUROSENSORY NONSYNDROMIC RECESSIVE DEAFNESS 2. Identifiers: Orphanet 90636, MedGen C1838701, MONDO:0010807, OMIM 600060.
MYO7A-related disorder. Also called: MYO7A-related disorders.

Allele frequency attached by ClinVar (database versions not stated): ESP Exome Variant Server 0.00008; TOPMed 0.00011; gnomAD 0.00012 and 0.00013; gnomAD exomes 0.00014 and 0.00019; ExAC 0.00022.
gnomAD v4.1: 287 of 1,601,664 alleles (0.018%); highest among the groups gnomAD compares: Non-Finnish European, 0.024%; 1 homozygote.

Submissions (9):

GeneDx
Classification: Uncertain significance. Last evaluated: 2026-09-15. Review status: criteria provided, single submitter. Criteria: GeneDx Variant Classification Process June 2021. Collection method: clinical testing. Allele origin: germline.
Comment: Identified with a second MYO7A variant in a patient with prelingual nonsyndromic hearing loss in published literature (PMID: 27068579); In silico analysis supports that this missense variant has a deleterious effect on protein structure/function; This variant is associated with the following publications: (PMID: 27068579)

PreventionGenetics, part of Exact Sciences
Classification: Uncertain significance for MYO7A-related condition. Last evaluated: 2025-12-30. Review status: criteria provided, single submitter. Criteria: ACMG Guidelines, 2015. Collection method: clinical testing. Allele origin: germline.
Comment: The MYO7A c.1403A>G variant is predicted to result in the amino acid substitution p.His468Arg. This variant has been reported in an individual with non-syndromic hearing loss (Sommen et al. 2016. PubMed ID: 27068579). This variant is reported in 0.028% of alleles in individuals of European (Non-Finnish) descent in gnomAD. At this time, the clinical significance of this variant is uncertain due to the absence of conclusive functional and genetic evidence.

Labcorp Genetics (formerly Invitae), Labcorp
Classification: Uncertain significance. Last evaluated: 2025-09-08. Review status: criteria provided, single submitter. Criteria: Invitae Variant Classification Sherloc (09022015). Collection method: clinical testing. Allele origin: germline.
Comment: This sequence change replaces histidine, which is basic and polar, with arginine, which is basic and polar, at codon 468 of the MYO7A protein (p.His468Arg). This variant is present in population databases (rs200304238, gnomAD 0.03%), including at least one homozygous and/or hemizygous individual. This missense change has been observed in individual(s) with non-syndromic hearing loss (PMID: 27068579). ClinVar contains an entry for this variant (Variation ID: 553342). Invitae Evidence Modeling of protein sequence and biophysical properties (such as structural, functional, and spatial information, amino acid conservation, physicochemical variation, residue mobility, and thermodynamic stability) indicates that this missense variant is not expected to disrupt MYO7A protein function with a negative predictive value of 95%. In summary, the available evidence is currently insufficient to determine the role of this variant in disease. Therefore, it has been classified as a Variant of Uncertain Significance.

CeGaT Center for Human Genetics Tuebingen
Classification: Uncertain significance. Last evaluated: 2025-09-01. Review status: criteria provided, single submitter. Criteria: CeGaT Center For Human Genetics Tuebingen Variant Classification Criteria Version 2. Collection method: clinical testing. Allele origin: germline. Affected: yes. Observed: 1 variant allele.

Blueprint Genetics
Classification: Uncertain significance. Last evaluated: 2024-09-08. Review status: criteria provided, single submitter. Criteria: ACMG Guidelines, 2015. Collection method: clinical testing. Allele origin: germline.

Fulgent Genetics
Classification: Uncertain significance for Usher syndrome type 1; Autosomal recessive nonsyndromic hearing loss 2; Autosomal dominant nonsyndromic hearing loss 11. Last evaluated: 2021-08-05. Review status: criteria provided, single submitter. Criteria: ACMG Guidelines, 2015. Collection method: clinical testing. Allele origin: unknown.

Counsyl
Classification: Uncertain significance for Usher syndrome type 1; Autosomal recessive nonsyndromic hearing loss 2. Last evaluated: 2017-08-16. Review status: no assertion criteria provided. Collection method: clinical testing. Allele origin: unknown. Not counted in ClinVar's aggregate classification.

Clinical Genetics DNA and cytogenetics Diagnostics Lab, Erasmus MC, Erasmus Medical Center
Classification: Uncertain significance. Review status: no assertion criteria provided. Collection method: clinical testing. Allele origin: germline. Affected: yes. Study: VKGL Data-share Consensus. Not counted in ClinVar's aggregate classification.

Joint Genome Diagnostic Labs from Nijmegen and Maastricht, Radboudumc and MUMC+
Classification: Uncertain significance. Review status: no assertion criteria provided. Collection method: clinical testing. Allele origin: germline. Affected: yes. Study: VKGL Data-share Consensus. Not counted in ClinVar's aggregate classification.

Literature cited by the submitters: PubMed 27068579 (cited by Labcorp Genetics (formerly Invitae), Labcorp and Counsyl).